The following is an entry in ClinVar:

NM_133433.4(NIPBL):c.5981A>G (p.Asn1994Ser)

Gene: NIPBL (NIPBL cohesin loading factor; plus strand). Cytogenetic location: 5p13.2.
Variant type: single nucleotide variant.
Coding change: c.5981A>G on transcript NM_133433.4 (MANE Select); coding-DNA position 5981, A replaced by G.
Protein change: p.Asn1994Ser; replaces asparagine 1994 with serine.
Molecular consequence: missense variant.
Genome position (GRCh38, 1-based): chr5:37,038,611, A>G. VCF-style: chr5-37038611-A-G. GRCh37 (hg19) VCF-style: chr5-37038713-A-G.
Other names: c.5981A>G, p.Asn1994Ser (NM_015384.5); short protein forms N1994S.
Identifiers: ClinVar variation 159166 (VCV000159166.17), dbSNP rs368028754, ClinGen allele CA172733.

ClinVar aggregate classification (germline): Conflicting classifications of pathogenicity. Review status: criteria provided, conflicting classifications (1 of 4 stars). 6 submissions from 6 submitters: Uncertain significance (2); Benign (1); Likely benign (2). 1 of the submissions does not count toward it. Last evaluated 2024-07-10.

Conditions:
NIPBL-related disorder. Also called: NIPBL-related condition.
Cornelia de Lange syndrome 1 (CDLS1). Also called: Brachmann de Lange syndrome; NIPBL-Related Cornelia de Lange Syndrome; TYPUS DEGENERATIVUS AMSTELODAMENSIS. Identifiers: Orphanet 199, MedGen C4551851, MONDO:0007387, OMIM 122470.

Allele frequency attached by ClinVar (database versions not stated): gnomAD exomes 0.00019 and 0.00005; 1000 Genomes Project 0.00020; ESP Exome Variant Server 0.00031; ExAC 0.00007; TOPMed 0.00010; gnomAD 0.00011 and 0.00012; 1000 Genomes Project 30x 0.00016.
gnomAD v4.1: 293 of 1,613,644 alleles (0.018%); highest among the groups gnomAD compares: Non-Finnish European, 0.024%; no homozygotes.

Submissions (6):

Blueprint Genetics
Classification: Likely benign. Last evaluated: 2024-07-10. Review status: criteria provided, single submitter. Criteria: ACMG Guidelines, 2015. Collection method: clinical testing. Allele origin: germline.

Labcorp Genetics (formerly Invitae), Labcorp
Classification: Uncertain significance for Cornelia de Lange syndrome 1. Last evaluated: 2024-02-06. Review status: criteria provided, single submitter. Criteria: Invitae Variant Classification Sherloc (09022015). Collection method: clinical testing. Allele origin: germline.
Comment: This sequence change replaces asparagine, which is neutral and polar, with serine, which is neutral and polar, at codon 1994 of the NIPBL protein (p.Asn1994Ser). This variant is present in population databases (rs368028754, gnomAD 0.02%). This missense change has been observed in individual(s) with clinical features of NIPBL-related conditions (PMID: 15318302). ClinVar contains an entry for this variant (Variation ID: 159166). Advanced modeling of protein sequence and biophysical properties (such as structural, functional, and spatial information, amino acid conservation, physicochemical variation, residue mobility, and thermodynamic stability) has been performed at Invitae for this missense variant, however the output from this modeling did not meet the statistical confidence thresholds required to predict the impact of this variant on NIPBL protein function. In summary, the available evidence is currently insufficient to determine the role of this variant in disease. Therefore, it has been classified as a Variant of Uncertain Significance.

Genome-Nilou Lab
Classification: Likely benign for Cornelia de Lange syndrome 1. Last evaluated: 2021-07-15. Review status: criteria provided, single submitter. Criteria: ACMG Guidelines, 2015. Collection method: clinical testing. Allele origin: germline. Affected: no.

Illumina Laboratory Services, Illumina
Classification: Uncertain significance for Cornelia de Lange syndrome 1. Last evaluated: 2018-01-12. Review status: criteria provided, single submitter. Criteria: ICSL Variant Classification Criteria 13 December 2019. Collection method: clinical testing. Allele origin: germline.

Genetic Services Laboratory, University of Chicago
Classification: Benign. Last evaluated: 2013-02-08. Review status: criteria provided, single submitter. Criteria: ACMG Guidelines, 2007. Collection method: clinical testing. Allele origin: germline. Inheritance: Autosomal dominant inheritance.

PreventionGenetics, part of Exact Sciences
Classification: Likely benign for NIPBL-related condition. Last evaluated: 2023-05-08. Review status: no assertion criteria provided. Collection method: clinical testing. Allele origin: germline. Not counted in ClinVar's aggregate classification.
Comment: This variant is classified as likely benign based on ACMG/AMP sequence variant interpretation guidelines (Richards et al. 2015 PMID: 25741868, with internal and published modifications).

Literature cited by the submitters: PubMed 15318302 (cited by Labcorp Genetics (formerly Invitae), Labcorp).